The following is an entry in ClinVar:

NM_000059.4(BRCA2):c.2078G>T (p.Cys693Phe)

Gene: BRCA2 (BRCA2 DNA repair associated; plus strand). Cytogenetic location: 13q13.1.
Variant type: single nucleotide variant.
Coding change: c.2078G>T on transcript NM_000059.4 (MANE Select); coding-DNA position 2078, G replaced by T.
Protein change: p.Cys693Phe; replaces cysteine 693 with phenylalanine.
Molecular consequence: missense variant.
Genome position (GRCh38, 1-based): chr13:32,336,433, G>T. VCF-style: chr13-32336433-G-T. GRCh37 (hg19) VCF-style: chr13-32910570-G-T.
Other names: c.2078G>T, p.Cys693Phe (NM_001406719.1, NM_001406720.1); short protein forms C693F.
Identifiers: ClinVar variation 2134654 (VCV002134654.6), dbSNP rs771226774, ClinGen allele CA387769103.

ClinVar aggregate classification (germline): Conflicting classifications of pathogenicity. Review status: criteria provided, conflicting classifications (1 of 4 stars). 2 submissions from 2 submitters: Uncertain significance (1); Likely benign (1). Last evaluated 2023-03-23.

Conditions:
Hereditary breast ovarian cancer syndrome. Also called: Hereditary breast and ovarian cancer; Hereditary breast and/or ovarian cancer syndrome; Hereditary breast and ovarian cancer syndrome (HBOC); Breast and ovarian cancer; Hereditary breast and ovarian cancer syndrome; BRCA1- and BRCA2-Associated Hereditary Breast and Ovarian Cancer. Identifiers: Orphanet 145, MedGen C0677776, MeSH D061325, MONDO:0003582. Disease mechanism: loss of function.
Hereditary cancer-predisposing syndrome. Also called: Hereditary neoplastic syndrome; Hereditary Cancer Syndrome; Tumor predisposition; Neoplastic Syndromes, Hereditary. Identifiers: Orphanet 140162, MedGen C0027672, MeSH D009386, MONDO:0015356.

Submissions (2):

University of Washington Department of Laboratory Medicine, University of Washington
Classification: Likely benign for Hereditary cancer-predisposing syndrome. Last evaluated: 2023-03-23. Review status: criteria provided, single submitter. Criteria: Dines et al. (Genet Med. 2020). Collection method: curation. Allele origin: germline.
Comment: Missense variant in a coldspot region where missense variants are very unlikely to be pathogenic (PMID:31911673).

BRCA2 exon 11 coldspot. Reclassification based on statistical prior probability.

Labcorp Genetics (formerly Invitae), Labcorp
Classification: Uncertain significance for Hereditary breast ovarian cancer syndrome. Last evaluated: 2022-05-06. Review status: criteria provided, single submitter. Criteria: Invitae Variant Classification Sherloc (09022015). Collection method: clinical testing. Allele origin: germline.
Comment: In summary, the available evidence is currently insufficient to determine the role of this variant in disease. Therefore, it has been classified as a Variant of Uncertain Significance. Advanced modeling of protein sequence and biophysical properties (such as structural, functional, and spatial information, amino acid conservation, physicochemical variation, residue mobility, and thermodynamic stability) performed at Invitae indicates that this missense variant is not expected to disrupt BRCA2 protein function. This variant has not been reported in the literature in individuals affected with BRCA2-related conditions. This variant is not present in population databases (gnomAD no frequency). This sequence change replaces cysteine, which is neutral and slightly polar, with phenylalanine, which is neutral and non-polar, at codon 693 of the BRCA2 protein (p.Cys693Phe).